The following is an entry in ClinVar:

NM_022114.4(PRDM16):c.3306C>T (p.Asp1102=)

Gene: PRDM16 (PR/SET domain 16; plus strand). Cytogenetic location: 1p36.32.
Variant type: single nucleotide variant.
Coding change: c.3306C>T on transcript NM_022114.4 (MANE Select); coding-DNA position 3306, C replaced by T.
Protein change: p.Asp1102=; no amino-acid change (aspartic acid 1102 retained).
Molecular consequence: synonymous variant.
Genome position (GRCh38, 1-based): chr1:3,430,893, C>T. VCF-style: chr1-3430893-C-T. GRCh37 (hg19) VCF-style: chr1-3347457-C-T.
Other names: c.3306C>T, p.Asp1102= (NM_199454.3).
Identifiers: ClinVar variation 682197 (VCV000682197.11), dbSNP rs199800219, ClinGen allele CA544826.

ClinVar aggregate classification (germline): Likely benign. Review status: criteria provided, multiple submitters, no conflicts (2 of 4 stars). 3 submissions from 3 submitters: Likely benign (3). Last evaluated 2024-11-26.

Conditions:
Left ventricular noncompaction 8 (LVNC8). Identifiers: Orphanet 154, Orphanet 54260, MedGen C3809288, MONDO:0014152, OMIM 615373.

Allele frequency attached by ClinVar (database versions not stated): TOPMed 0.00001; gnomAD 0.00005; 1000 Genomes Project 30x 0.00016.
gnomAD v4.1: 87 of 1,614,072 alleles (0.0054%); highest among the groups gnomAD compares: Non-Finnish European, 0.0035%; no homozygotes.

Submissions (3):

Labcorp Genetics (formerly Invitae), Labcorp
Classification: Likely benign for Left ventricular noncompaction 8. Last evaluated: 2024-11-26. Review status: criteria provided, single submitter. Criteria: Invitae Variant Classification Sherloc (09022015). Collection method: clinical testing. Allele origin: germline.

Blueprint Genetics
Classification: Likely benign. Last evaluated: 2024-06-18. Review status: criteria provided, single submitter. Criteria: ACMG Guidelines, 2015. Collection method: clinical testing. Allele origin: germline.

GeneDx
Classification: Likely benign. Last evaluated: 2018-04-19. Review status: criteria provided, single submitter. Criteria: GeneDx Variant Classification (06012015). Collection method: clinical testing. Allele origin: germline. Affected: yes.
Comment: This variant is considered likely benign or benign based on one or more of the following criteria: it is a conservative change, it occurs at a poorly conserved position in the protein, it is predicted to be benign by multiple in silico algorithms, and/or has population frequency not consistent with disease.